The following is an entry in ClinVar:

ClinVar aggregate classification (germline): Uncertain significance (1 of 4 stars; one submission).

gnomAD v4.1: 4 of 1,613,422 alleles (0.00025%); highest among the groups gnomAD compares: Non-Finnish European, 0.00034%; no homozygotes.

Submission:

GeneDx
Classification: Uncertain significance. Last evaluated: 2026-10-20. Review status: criteria provided, single submitter. Criteria: GeneDx Variant Classification Process June 2021. Collection method: clinical testing. Allele origin: germline.
Comment: Not observed at significant frequency in large population cohorts (gnomAD); In silico analysis supports that this missense variant does not alter protein structure/function; Has not been previously published as pathogenic or benign to our knowledge

NM_007118.4(TRIO):c.1478A>G (p.His493Arg)

Gene: TRIO (trio Rho guanine nucleotide exchange factor; plus strand). Cytogenetic location: 5p15.2.
Variant type: single nucleotide variant.
Coding change: c.1478A>G on transcript NM_007118.4 (MANE Select); coding-DNA position 1478, A replaced by G.
Protein change: p.His493Arg; replaces histidine 493 with arginine.
Molecular consequence: missense variant. On other transcripts: non-coding transcript variant (1).
Genome position (GRCh38, 1-based): chr5:14,304,570, A>G. VCF-style: chr5-14304570-A-G. GRCh37 (hg19) VCF-style: chr5-14304679-A-G.
Other names: short protein forms H493R.
Identifiers: ClinVar variation 3365342 (VCV003365342.2).
Genomic context (GRCh38, chr5:14,304,570, plus strand): 5'-TTCCCTCAGAGCTGCAGGACCTAGAAGATGCCATTCATCACCACCAGGGAATATATGAAC[A>G]TATCACTCTTGCTTATTCTGAGGTAAGTGGCCAGTTTTACTTACATTGCAAAGCAGCATC-3'
Protein context (NP_009049.2, residues 483-503): AIHHHQGIYE[His493Arg]ITLAYSEVSQ